The following is an entry in ClinVar:

NM_001330260.2(SCN8A):c.2674G>A (p.Val892Met)

Gene: SCN8A (sodium voltage-gated channel alpha subunit 8; plus strand). Cytogenetic location: 12q13.13.
Variant type: single nucleotide variant.
Coding change: c.2674G>A on transcript NM_001330260.2 (MANE Select); coding-DNA position 2674, G replaced by A.
Protein change: p.Val892Met; replaces valine 892 with methionine.
Molecular consequence: missense variant.
Genome position (GRCh38, 1-based): chr12:51,765,800, G>A. VCF-style: chr12-51765800-G-A. GRCh37 (hg19) VCF-style: chr12-52159584-G-A.
Other names: c.2674G>A, p.Val892Met (NM_001177984.3, NM_001369788.1, NM_014191.4); short protein forms V892M.
Identifiers: ClinVar variation 1007517 (VCV001007517.9), dbSNP rs1942829484, ClinGen allele CA384887660.

ClinVar aggregate classification (germline): Pathogenic (1 of 4 stars; one submission).

Conditions:
Early-infantile DEE. Also called: Ohtahara syndrome; Early infantile epileptic encephalopathy with suppression bursts; Early infantile epileptic encephalopathy. Identifiers: Orphanet 1934, MedGen C0393706, MONDO:0800491.

Submission:

Labcorp Genetics (formerly Invitae), Labcorp
Classification: Pathogenic for Early-infantile DEE. Last evaluated: 2025-08-11. Review status: criteria provided, single submitter. Criteria: Invitae Variant Classification Sherloc (09022015). Collection method: clinical testing. Allele origin: germline.
Comment: This sequence change replaces valine, which is neutral and non-polar, with methionine, which is neutral and non-polar, at codon 892 of the SCN8A protein (p.Val892Met). This variant is not present in population databases (gnomAD no frequency). This missense change has been observed in individual(s) with seizures (PMID: 34431999; internal data). In at least one individual the variant was observed to be de novo. ClinVar contains an entry for this variant (Variation ID: 1007517). Invitae Evidence Modeling of protein sequence and biophysical properties (such as structural, functional, and spatial information, amino acid conservation, physicochemical variation, residue mobility, and thermodynamic stability) indicates that this missense variant is expected to disrupt SCN8A protein function with a positive predictive value of 95%. This variant disrupts the p.Val892 amino acid residue in SCN8A. Other variant(s) that disrupt this residue have been determined to be pathogenic (PMID: 35188110). This suggests that this residue is clinically significant, and that variants that disrupt this residue are likely to be disease-causing. For these reasons, this variant has been classified as Pathogenic.

Literature cited by the submitters: PubMed 34431999; PubMed 35188110.